The following is an entry in ClinVar:

NM_182700.6(SP8):c.375CGC[7] (p.Ala134_Ser135insAla)

Gene: SP8 (Sp8 transcription factor; minus strand). Cytogenetic location: 7p21.1.
Variant type: Microsatellite.
Coding change: c.375CGC[7] on transcript NM_182700.6 (MANE Select); seven copies in a row of the 3-base unit CGC starting at c.375; the reference has six copies in a row; one copy, 3 bases duplicated.
Protein change: p.Ala134_Ser135insAla.
Molecular consequence: inframe insertion.
Genome position (GRCh38, 1-based): chr7:20,785,425-20,785,427, GCG duplicated on the plus strand (CGC on the coding strand, the reverse complement: SP8 is on the minus strand); duplicating any 3 consecutive bases within chr7:20,785,425-20,785,444 gives the same sequence; the position shown is the placement nearest the transcript's 3' end. VCF-style (leftmost placement, unchanged base first): chr7-20785424-T-TGCG. GRCh37 (hg19) VCF-style: chr7-20825043-T-TGCG.
Other names: c.321CGC[7], p.Ala116_Ser117insAla (NM_198956.4); c.390_392dupCGC (NM_182700.5).
Identifiers: ClinVar variation 2657336 (VCV002657336.25), dbSNP rs770823639, ClinGen allele CA4177945.

ClinVar aggregate classification (germline): Likely benign. Review status: criteria provided, single submitter (1 of 4 stars). 2 submissions from 2 submitters: Likely benign (1). 1 of the submissions does not count toward it. Last evaluated 2022-12-01.

Conditions:
SP8-related disorder. Also called: SP8-related condition.

Submissions (2):

CeGaT Center for Human Genetics Tuebingen
Classification: Likely benign. Last evaluated: 2022-12-01. Review status: criteria provided, single submitter. Criteria: CeGaT Center For Human Genetics Tuebingen Variant Classification Criteria Version 2. Collection method: clinical testing. Allele origin: germline. Affected: yes. Observed: 1 variant allele.
Comment: SP8: BS2

PreventionGenetics, part of Exact Sciences
Classification: Likely benign for SP8-related condition. Last evaluated: 2020-09-02. Review status: no assertion criteria provided. Collection method: clinical testing. Allele origin: germline. Not counted in ClinVar's aggregate classification.
Comment: This variant is classified as likely benign based on ACMG/AMP sequence variant interpretation guidelines (Richards et al. 2015 PMID: 25741868, with internal and published modifications).